The following is an entry in ClinVar:

ClinVar aggregate classification (germline): Likely pathogenic. Review status: criteria provided, multiple submitters, no conflicts (2 of 4 stars). 2 submissions from 2 submitters: Likely pathogenic (2). Last evaluated 2026-02-09.

Conditions:
Dilated cardiomyopathy 1G (CMD1G). Identifiers: Orphanet 154, MedGen C1858763, MONDO:0011400, OMIM 604145.
Autosomal recessive limb-girdle muscular dystrophy type 2J (LGMDR10). Also called: Limb-girdle muscular dystrophy, type 2J; MUSCULAR DYSTROPHY, LIMB-GIRDLE, AUTOSOMAL RECESSIVE 10. Identifiers: Orphanet 140922, MedGen C1837342, MONDO:0012127, OMIM 608807.
Cardiovascular phenotype. Identifiers: MedGen CN230736.

Submissions (2):

Ambry Genetics
Classification: Likely pathogenic for Cardiovascular phenotype. Last evaluated: 2026-02-09. Review status: criteria provided, single submitter. Criteria: Ambry Variant Classification Scheme 2023. Collection method: clinical testing. Allele origin: germline.
Comment: The c.42145delG variant, located in coding exon 151 of the TTN gene, results from a deletion of one nucleotide at nucleotide position 42145, causing a translational frameshift with a predicted alternate stop codon (p.V14049Sfs*4). This exon is located in the A-band region of the N2-B isoform of the titin protein and is constitutively expressed in TTN transcripts (percent spliced in or PSI 100%). This variant is expected to result in loss of function by premature protein truncation or nonsense-mediated mRNA decay. While truncating variants in TTN are present in 1-3% of the general population, truncating variants in the A-band are the most common cause of dilated cardiomyopathy (Herman DS et al. N. Engl. J. Med., 2012 Feb;366:619-28; Roberts AM et al. Sci Transl Med, 2015 Jan;7:270ra6). TTN truncating variants encoded in constitutive exons (PSI >90%) have been found to be significantly associated with DCM regardless of their position in titin (Schafer S et al. Nat. Genet., 2017 01;49:46-53; Akhtar MM et al. Circ Heart Fail, 2020 Oct;13:e006832; Massier M et al. Clin Genet, 2025 Jan). This variant is considered to be rare based on population cohorts in the Genome Aggregation Database (gnomAD). Based on the majority of available evidence to date, this variant is likely to be pathogenic.

Labcorp Genetics (formerly Invitae), Labcorp
Classification: Likely pathogenic for Dilated cardiomyopathy 1G; Autosomal recessive limb-girdle muscular dystrophy type 2J. Last evaluated: 2023-06-20. Review status: criteria provided, single submitter. Criteria: Invitae Variant Classification Sherloc (09022015). Collection method: clinical testing. Allele origin: germline.
Comment: In summary, the currently available evidence indicates that the variant is pathogenic, but additional data are needed to prove that conclusively. Therefore, this variant has been classified as Likely Pathogenic. This variant is located in the A band of TTN (PMID: 25589632). Truncating variants in this region are significantly overrepresented in patients affected with dilated cardiomyopathy (PMID: 25589632). Truncating variants in this region have also been reported in individuals affected with autosomal recessive centronuclear myopathy (PMID: 23975875). ClinVar contains an entry for this variant (Variation ID: 848977). This variant has not been reported in the literature in individuals affected with TTN-related conditions. This variant is not present in population databases (gnomAD no frequency). This sequence change creates a premature translational stop signal (p.Val23114Serfs*4) in the TTN gene. While this is not anticipated to result in nonsense mediated decay, it is expected to create a truncated TTN protein.

Literature cited by the submitters: PubMed 25589632 (cited by Labcorp Genetics (formerly Invitae), Labcorp); PubMed 23975875 (cited by Labcorp Genetics (formerly Invitae), Labcorp).

NM_001267550.2(TTN):c.69340del (p.Val23114fs)

Genes: TTN (titin; minus strand), TTN-AS1 (TTN antisense RNA 1; plus strand). Cytogenetic location: 2q31.2.
Variant type: Deletion.
Coding change: c.69340del on transcript NM_001267550.2 (MANE Select); coding-DNA position 69340, one base deleted (G; older notation c.69340delG).
Protein change: p.Val23114fs; shifts the reading frame from valine 23114.
Molecular consequence: frameshift variant.
Genome position (GRCh38, 1-based): chr2:178,576,995, C deleted on the plus strand (G on the coding strand, the reverse complement: TTN is on the minus strand); the first of 3 consecutive C bases (chr2:178,576,995-178,576,997); deleting any one gives the same sequence. VCF-style (leftmost placement, unchanged base first): chr2-178576994-AC-A. GRCh37 (hg19) VCF-style: chr2-179441721-AC-A.
Other names: c.64417del, p.Val21473fs (NM_001256850.1); c.42145del, p.Val14049fs (NM_003319.4); c.61636del, p.Val20546fs (NM_133378.4); c.42520del, p.Val14174fs (NM_133432.3); c.42721del, p.Val14241fs (NM_133437.4); c.42145delG (NM_003319.4); short protein forms V14049fs, V14174fs, V14241fs, V20546fs, V21473fs, V23114fs.
Identifiers: ClinVar variation 848977 (VCV000848977.11), dbSNP rs2046581341, ClinGen allele CA916081355.